The following is an entry in ClinVar:

NM_001844.5(COL2A1):c.3373G>A (p.Gly1125Ser)

Gene: COL2A1 (collagen type II alpha 1 chain; minus strand). Cytogenetic location: 12q13.11.
Variant type: single nucleotide variant.
Coding change: c.3373G>A on transcript NM_001844.5 (MANE Select); coding-DNA position 3373, G replaced by A.
Protein change: p.Gly1125Ser; replaces glycine 1125 with serine.
Molecular consequence: missense variant.
Genome position (GRCh38, 1-based): chr12:47,976,874, C>T on the plus strand (G>A on the coding strand, the complement: COL2A1 is on the minus strand). VCF-style: chr12-47976874-C-T. GRCh37 (hg19) VCF-style: chr12-48370657-C-T.
Other names: c.3166G>A, p.Gly1056Ser (NM_033150.3); short protein forms G1125S, G1056S.
Identifiers: ClinVar variation 2134670 (VCV002134670.4), dbSNP rs2540105806, ClinGen allele CA384538971.

ClinVar aggregate classification (germline): Likely pathogenic (1 of 4 stars; one submission).

Submission:

Labcorp Genetics (formerly Invitae), Labcorp
Classification: Likely pathogenic. Last evaluated: 2023-10-13. Review status: criteria provided, single submitter. Criteria: Invitae Variant Classification Sherloc (09022015). Collection method: clinical testing. Allele origin: germline.
Comment: This sequence change replaces glycine, which is neutral and non-polar, with serine, which is neutral and polar, at codon 1125 of the COL2A1 protein (p.Gly1125Ser). This variant is not present in population databases (gnomAD no frequency). This variant has not been reported in the literature in individuals affected with COL2A1-related conditions. ClinVar contains an entry for this variant (Variation ID: 2134670). Advanced modeling of protein sequence and biophysical properties (such as structural, functional, and spatial information, amino acid conservation, physicochemical variation, residue mobility, and thermodynamic stability) performed at Invitae indicates that this missense variant is expected to disrupt COL2A1 protein function. This variant disrupts the triple helix domain of COL2A1. Glycine residues within the Gly-Xaa-Yaa repeats of the triple helix domain are required for the structure and stability of fibrillar collagens (PMID: 7695699, 8218237, 19344236). In COL2A1, variants affecting these glycine residues are significantly enriched in individuals with disease (PMID: 9016532, 17078022) compared to the general population (ExAC). In summary, the currently available evidence indicates that the variant is pathogenic, but additional data are needed to prove that conclusively. Therefore, this variant has been classified as Likely Pathogenic.

Literature cited by the submitters: PubMed 7695699; PubMed 8218237; PubMed 19344236; PubMed 9016532; PubMed 17078022.